The following is an entry in ClinVar:

NM_001739.2(CA5A):c.253G>T (p.Val85Phe)

Gene: CA5A (carbonic anhydrase 5A; minus strand). Cytogenetic location: 16q24.2.
Variant type: single nucleotide variant.
Coding change: c.253G>T on transcript NM_001739.2 (MANE Select); coding-DNA position 253, G replaced by T.
Protein change: p.Val85Phe; replaces valine 85 with phenylalanine.
Molecular consequence: missense variant. On other transcripts: non-coding transcript variant (2).
Genome position (GRCh38, 1-based): chr16:87,926,835, C>A on the plus strand (G>T on the coding strand, the complement: CA5A is on the minus strand). VCF-style: chr16-87926835-C-A. GRCh37 (hg19) VCF-style: chr16-87960441-C-A.
Other names: c.253G>T, p.Val85Phe (NM_001367225.1); short protein forms V85F.
Identifiers: ClinVar variation 1520549 (VCV001520549.6), dbSNP rs138938647, ClinGen allele CA8223570.

ClinVar aggregate classification (germline): Uncertain significance (1 of 4 stars; one submission).

Conditions:
Hyperammonemic encephalopathy due to carbonic anhydrase VA deficiency. Also called: Carbonic anhydrase VA deficiency, hyperammonemia due to; Carbonic Anhydrase VA Deficiency. Identifiers: Orphanet 401948, MedGen C4706871, MONDO:0014332, OMIM 615751.

Allele frequency attached by ClinVar (database versions not stated): gnomAD 0.00005 and 0.00006; TOPMed 0.00010; ExAC 0.00012.
gnomAD v4.1: 73 of 1,613,942 alleles (0.0045%); highest among the groups gnomAD compares: Middle Eastern, 0.082%; no homozygotes.

Submission:

Labcorp Genetics (formerly Invitae), Labcorp
Classification: Uncertain significance for Hyperammonemic encephalopathy due to carbonic anhydrase VA deficiency. Last evaluated: 2022-08-19. Review status: criteria provided, single submitter. Criteria: Invitae Variant Classification Sherloc (09022015). Collection method: clinical testing. Allele origin: germline.
Comment: In summary, the available evidence is currently insufficient to determine the role of this variant in disease. Therefore, it has been classified as a Variant of Uncertain Significance. Algorithms developed to predict the effect of missense changes on protein structure and function (SIFT, PolyPhen-2, Align-GVGD) all suggest that this variant is likely to be tolerated. ClinVar contains an entry for this variant (Variation ID: 1520549). This variant has not been reported in the literature in individuals affected with CA5A-related conditions. This variant is present in population databases (rs138938647, gnomAD 0.07%). This sequence change replaces valine, which is neutral and non-polar, with phenylalanine, which is neutral and non-polar, at codon 85 of the CA5A protein (p.Val85Phe).